The following is an entry in ClinVar:

ClinVar aggregate classification (germline): Uncertain significance (1 of 4 stars; one submission).

Conditions:
Neurofibromatosis, type 1 (NF1). Also called: VON RECKLINGHAUSEN DISEASE; NEUROFIBROMATOSIS, TYPE I, SOMATIC; Peripheral type neurofibromatosis; Neurofibromatosis, type I. Identifiers: Orphanet 636, MedGen C0027831, MONDO:0018975, OMIM 162200. Disease mechanism: loss of function.

Allele frequency attached by ClinVar (database versions not stated): gnomAD exomes below 0.00001.
gnomAD v4.1: 2 of 1,614,176 alleles (0.00012%); highest among the groups gnomAD compares: Non-Finnish European, 0.00017%; no homozygotes.

Submission:

Labcorp Genetics (formerly Invitae), Labcorp
Classification: Uncertain significance for Neurofibromatosis, type 1. Last evaluated: 2023-11-24. Review status: criteria provided, single submitter. Criteria: Invitae Variant Classification Sherloc (09022015). Collection method: clinical testing. Allele origin: germline.
Comment: This sequence change replaces leucine, which is neutral and non-polar, with serine, which is neutral and polar, at codon 2324 of the NF1 protein (p.Leu2324Ser). This variant is not present in population databases (gnomAD no frequency). This variant has not been reported in the literature in individuals affected with NF1-related conditions. ClinVar contains an entry for this variant (Variation ID: 1040043). Advanced modeling of protein sequence and biophysical properties (such as structural, functional, and spatial information, amino acid conservation, physicochemical variation, residue mobility, and thermodynamic stability) performed at Invitae indicates that this missense variant is expected to disrupt NF1 protein function with a positive predictive value of 95%. In summary, the available evidence is currently insufficient to determine the role of this variant in disease. Therefore, it has been classified as a Variant of Uncertain Significance.

NM_001042492.3(NF1):c.7034T>C (p.Leu2345Ser)

Gene: NF1 (neurofibromin 1; plus strand). Cytogenetic location: 17q11.2.
Variant type: single nucleotide variant.
Coding change: c.7034T>C on transcript NM_001042492.3 (MANE Select); coding-DNA position 7034, T replaced by C.
Protein change: p.Leu2345Ser; replaces leucine 2345 with serine.
Molecular consequence: missense variant.
Genome position (GRCh38, 1-based): chr17:31,340,617, T>C. VCF-style: chr17-31340617-T-C. GRCh37 (hg19) VCF-style: chr17-29667635-T-C.
Other names: c.6971T>C, p.Leu2324Ser (NM_000267.4); short protein forms L2324S, L2345S.
Identifiers: ClinVar variation 1040043 (VCV001040043.5), dbSNP rs1555535195, ClinGen allele CA399015132.